The following is an entry in ClinVar:

ClinVar aggregate classification (germline): Uncertain significance. Review status: criteria provided, multiple submitters, no conflicts (2 of 4 stars). 2 submissions from 2 submitters: Uncertain significance (2). Last evaluated 2025-02-14.

Allele frequency attached by ClinVar (database versions not stated): gnomAD 0.00001 and 0.00002; ExAC 0.00002; TOPMed 0.00002; 1000 Genomes Project 0.00020; 1000 Genomes Project 30x 0.00031.
gnomAD v4.1: 16 of 1,595,830 alleles (0.001%); highest among the groups gnomAD compares: Admixed American, 0.02%; no homozygotes.

Submissions (2):

Ambry Genetics
Classification: Uncertain significance. Last evaluated: 2025-02-14. Review status: criteria provided, single submitter. Criteria: Ambry Variant Classification Scheme 2023. Collection method: clinical testing. Allele origin: germline.

Labcorp Genetics (formerly Invitae), Labcorp
Classification: Uncertain significance. Last evaluated: 2023-01-10. Review status: criteria provided, single submitter. Criteria: Invitae Variant Classification Sherloc (09022015). Collection method: clinical testing. Allele origin: germline.
Comment: In summary, the available evidence is currently insufficient to determine the role of this variant in disease. Therefore, it has been classified as a Variant of Uncertain Significance. Algorithms developed to predict the effect of missense changes on protein structure and function are either unavailable or do not agree on the potential impact of this missense change (SIFT: "Deleterious"; PolyPhen-2: "Benign"; Align-GVGD: "Class C0"). ClinVar contains an entry for this variant (Variation ID: 1053247). This variant has not been reported in the literature in individuals affected with RINT1-related conditions. This variant is present in population databases (rs199604799, gnomAD 0.01%). This sequence change replaces proline, which is neutral and non-polar, with leucine, which is neutral and non-polar, at codon 788 of the RINT1 protein (p.Pro788Leu).

NM_021930.6(RINT1):c.2363C>T (p.Pro788Leu)

Genes: EFCAB10 (EF-hand calcium binding domain 10; minus strand), RINT1 (RAD50 interactor 1; plus strand). Cytogenetic location: 7q22.3.
Variant type: single nucleotide variant.
Coding change: c.2363C>T on transcript NM_021930.6 (MANE Select); coding-DNA position 2363, C replaced by T.
Protein change: p.Pro788Leu; replaces proline 788 with leucine.
Molecular consequence: missense variant. On other transcripts: 3 prime UTR variant (2), non-coding transcript variant (1), intron variant (3).
Genome position (GRCh38, 1-based): chr7:105,567,295, C>T. VCF-style: chr7-105567295-C-T. GRCh37 (hg19) VCF-style: chr7-105207742-C-T.
Other names: c.*159G>A (NM_001355527.2, NM_001355529.2); c.2129C>T, p.Pro710Leu (NM_001346599.2); c.1340C>T, p.Pro447Leu (NM_001346600.2, NM_001346603.2); c.1439C>T, p.Pro480Leu (NM_001346601.2); c.360-1848G>A (NM_001355531.2); c.383+172G>A (NM_001355526.2, NM_001355530.2); short protein forms P447L, P480L, P710L, P788L.
Identifiers: ClinVar variation 1053247 (VCV001053247.12), dbSNP rs199604799, ClinGen allele CA4426940.